The following is an entry in ClinVar:

NM_001330360.2(POLA1):c.1237C>T (p.Pro413Ser)

Gene: POLA1 (DNA polymerase alpha 1, catalytic subunit; plus strand). Cytogenetic location: Xp22.11.
Variant type: single nucleotide variant.
Coding change: c.1237C>T on transcript NM_001330360.2 (MANE Select); coding-DNA position 1237, C replaced by T.
Protein change: p.Pro413Ser; replaces proline 413 with serine.
Molecular consequence: missense variant. On other transcripts: non-coding transcript variant (2).
Genome position (GRCh38, 1-based): chrX:24,724,371, C>T. VCF-style: chrX-24724371-C-T. GRCh37 (hg19) VCF-style: chrX-24742488-C-T.
Other names: c.1237C>T, p.Pro413Ser (NM_001378303.1); c.1219C>T, p.Pro407Ser (NM_016937.4); short protein forms P407S, P413S.
Identifiers: ClinVar variation 1914171 (VCV001914171.5), dbSNP rs1602284038, ClinGen allele CA412532221.
Genomic context (GRCh38, chrX:24,724,371, plus strand): 5'-CTGTCCCCTTCTCTGGGATAACAGAAAATTGATCTAAATACGGGGAAAGAAACAGGAACT[C>T]CAATTTCAATGAAGGATGTTTATGAGGAATTTGATGAGAAAATAGCAACAAAATATAAAA-3'
Protein context (NP_001317289.1, residues 403-423): DLNTGKETGT[Pro413Ser]ISMKDVYEEF

ClinVar aggregate classification (germline): Uncertain significance (1 of 4 stars; one submission).

Submission:

Labcorp Genetics (formerly Invitae), Labcorp
Classification: Uncertain significance. Last evaluated: 2025-04-07. Review status: criteria provided, single submitter. Criteria: Invitae Variant Classification Sherloc (09022015). Collection method: clinical testing. Allele origin: germline.
Comment: This sequence change replaces proline, which is neutral and non-polar, with serine, which is neutral and polar, at codon 407 of the POLA1 protein (p.Pro407Ser). This variant is not present in population databases (gnomAD no frequency). This variant has not been reported in the literature in individuals affected with POLA1-related conditions. ClinVar contains an entry for this variant (Variation ID: 1914171). Invitae Evidence Modeling of protein sequence and biophysical properties (such as structural, functional, and spatial information, amino acid conservation, physicochemical variation, residue mobility, and thermodynamic stability) indicates that this missense variant is not expected to disrupt POLA1 protein function with a negative predictive value of 80%. In summary, the available evidence is currently insufficient to determine the role of this variant in disease. Therefore, it has been classified as a Variant of Uncertain Significance.